The following is an entry in ClinVar:

ClinVar aggregate classification (germline): Uncertain significance. Review status: criteria provided, multiple submitters, no conflicts (2 of 4 stars). 2 submissions from 2 submitters: Uncertain significance (2). Last evaluated 2025-01-16.

Conditions:
Inborn genetic diseases. Identifiers: MedGen C0950123, MeSH D030342.
Lethal multiple pterygium syndrome (LMPS). Identifiers: Orphanet 33108, MedGen C1854678, MONDO:0009668, OMIM 253290.

Allele frequency attached by ClinVar (database versions not stated): TOPMed below 0.00001.

Submissions (2):

Ambry Genetics
Classification: Uncertain significance for Inborn genetic diseases. Last evaluated: 2025-01-16. Review status: criteria provided, single submitter. Criteria: Ambry Variant Classification Scheme 2023. Collection method: clinical testing. Allele origin: germline.

Labcorp Genetics (formerly Invitae), Labcorp
Classification: Uncertain significance for Lethal multiple pterygium syndrome. Last evaluated: 2024-03-18. Review status: criteria provided, single submitter. Criteria: Invitae Variant Classification Sherloc (09022015). Collection method: clinical testing. Allele origin: germline.
Comment: This sequence change replaces lysine, which is basic and polar, with asparagine, which is neutral and polar, at codon 145 of the CHRNA1 protein (p.Lys145Asn). This variant is not present in population databases (gnomAD no frequency). This variant has not been reported in the literature in individuals affected with CHRNA1-related conditions. Advanced modeling of protein sequence and biophysical properties (such as structural, functional, and spatial information, amino acid conservation, physicochemical variation, residue mobility, and thermodynamic stability) performed at Invitae indicates that this missense variant is not expected to disrupt CHRNA1 protein function with a negative predictive value of 80%. In summary, the available evidence is currently insufficient to determine the role of this variant in disease. Therefore, it has been classified as a Variant of Uncertain Significance.

NM_000079.4(CHRNA1):c.435A>T (p.Lys145Asn)

Gene: CHRNA1 (cholinergic receptor nicotinic alpha 1 subunit; minus strand). Cytogenetic location: 2q31.1.
Variant type: single nucleotide variant.
Coding change: c.435A>T on transcript NM_000079.4 (MANE Select); coding-DNA position 435, A replaced by T.
Protein change: p.Lys145Asn; replaces lysine 145 with asparagine.
Molecular consequence: missense variant.
Genome position (GRCh38, 1-based): chr2:174,754,324, T>A on the plus strand (A>T on the coding strand, the complement: CHRNA1 is on the minus strand). VCF-style: chr2-174754324-T-A. GRCh37 (hg19) VCF-style: chr2-175619052-T-A.
Other names: c.510A>T, p.Lys170Asn (NM_001039523.3); c.435A>T (NM_000079.3); short protein forms K145N, K170N.
Identifiers: ClinVar variation 2741251 (VCV002741251.4), dbSNP rs1683926690, ClinGen allele CA349341350.
Genomic context (GRCh38, chr2:174,754,324, plus strand): 5'-CTTCATGCTGCAGTTCTGTTCATCAAAGGGAAAGTGGGTGACGATGATCTCACAGTAGCT[T>A]TTAAAGATGGCTGGAGGTGTCCACGTGATGTGGCCAGTGTACTGCAGGAGCACTTTGGTG-3'
Protein context (NP_000070.1, residues 135-155): HITWTPPAIF[Lys145Asn]SYCEIIVTHF